The following is an entry in ClinVar:

ClinVar aggregate classification (germline): Uncertain significance (1 of 4 stars; one submission).

Conditions:
X-linked cone-rod dystrophy 3 (CORDX3). Identifiers: Orphanet 1872, MedGen C1845407, MONDO:0010335, OMIM 300476.
Aland island eye disease (AIED). Also called: Forsius Eriksson type ocular albinism. Identifiers: Orphanet 178333, MedGen C0268505, MONDO:0010371, OMIM 300600.

Submission:

Institute of Immunology and Genetics Kaiserslautern
Classification: Uncertain significance for Aland island eye disease; X-linked cone-rod dystrophy 3. Last evaluated: 2026-03-05. Review status: criteria provided, single submitter. Criteria: ACMG Guidelines, 2015. Collection method: clinical testing. Allele origin: maternal. Affected: yes.
Comment: ACMG Criteria: PM2_P; Variant was found in hemizygous state.

NM_001256789.3(CACNA1F):c.2206+24_2207-9del

Gene: CACNA1F (calcium voltage-gated channel subunit alpha1 F; minus strand). Cytogenetic location: Xp11.23.
Variant type: Deletion.
Coding change: c.2206+24_2207-9del on transcript NM_001256789.3 (MANE Select); 24 bases into the intron after coding-DNA position 2206 through 9 bases into the intron before coding-DNA position 2207, 83 bases deleted.
Molecular consequence: intron variant.
Genome position (GRCh38, 1-based): chrX:49,222,612-49,222,694, 83 bases deleted. GRCh37 (hg19): chrX:49,079,071-49,079,153.
Other names: c.2239+24_2240-9del (NM_005183.4); c.2044+24_2045-9del (NM_001256790.3).
Identifiers: ClinVar variation 4851421 (VCV004851421.1).